The following is an entry in ClinVar:

NM_005585.5(SMAD6):c.787C>A (p.Pro263Thr)

Gene: SMAD6 (SMAD family member 6; plus strand). Cytogenetic location: 15q22.31.
Variant type: single nucleotide variant.
Coding change: c.787C>A on transcript NM_005585.5 (MANE Select); coding-DNA position 787, C replaced by A.
Protein change: p.Pro263Thr; replaces proline 263 with threonine.
Molecular consequence: missense variant. On other transcripts: non-coding transcript variant (1).
Genome position (GRCh38, 1-based): chr15:66,704,045, C>A. VCF-style: chr15-66704045-C-A. GRCh37 (hg19) VCF-style: chr15-66996383-C-A.
Other names: short protein forms P263T.
Identifiers: ClinVar variation 2913666 (VCV002913666.3), dbSNP rs1382712515, ClinGen allele CA392950249.
Genomic context (GRCh38, chr15:66,704,045, plus strand): 5'-CCCCTGTGCGGCTGCCACAGCTTCGCCGCCGCCGCCGACGGCCCTACCGTGTGCTGCAAC[C>A]CCTACCACTTCAGCCGGCTCTGCGGGCCCGGTGAGCGCGCTGCGCCGGCCGGGGGGGCCC-3'
Protein context (NP_005576.3, residues 253-273): AADGPTVCCN[Pro263Thr]YHFSRLCGPE

ClinVar aggregate classification (germline): Uncertain significance (1 of 4 stars; one submission).

Conditions:
Aortic valve disease 2 (AOVD2). Identifiers: MedGen C3542024, MONDO:0013902, OMIM 614823.

gnomAD v4.1: 1 of 1,510,580 alleles (0.000066%); highest among the groups gnomAD compares: Non-Finnish European, 0.000088%; no homozygotes.

Submission:

Labcorp Genetics (formerly Invitae), Labcorp
Classification: Uncertain significance for Aortic valve disease 2. Last evaluated: 2023-05-29. Review status: criteria provided, single submitter. Criteria: Invitae Variant Classification Sherloc (09022015). Collection method: clinical testing. Allele origin: germline.
Comment: In summary, the available evidence is currently insufficient to determine the role of this variant in disease. Therefore, it has been classified as a Variant of Uncertain Significance. Advanced modeling of protein sequence and biophysical properties (such as structural, functional, and spatial information, amino acid conservation, physicochemical variation, residue mobility, and thermodynamic stability) performed at Invitae indicates that this missense variant is expected to disrupt SMAD6 protein function. This variant has not been reported in the literature in individuals affected with SMAD6-related conditions. This variant is not present in population databases (gnomAD no frequency). This sequence change replaces proline, which is neutral and non-polar, with threonine, which is neutral and polar, at codon 263 of the SMAD6 protein (p.Pro263Thr).